The following is an entry in ClinVar:

NM_006230.4(POLD2):c.1079A>G (p.Asp360Gly)

Gene: POLD2 (DNA polymerase delta 2, accessory subunit; minus strand). Cytogenetic location: 7p13.
Variant type: single nucleotide variant.
Coding change: c.1079A>G on transcript NM_006230.4 (MANE Select); coding-DNA position 1079, A replaced by G.
Protein change: p.Asp360Gly; replaces aspartic acid 360 with glycine.
Molecular consequence: missense variant.
Genome position (GRCh38, 1-based): chr7:44,115,834, T>C on the plus strand (A>G on the coding strand, the complement: POLD2 is on the minus strand). VCF-style: chr7-44115834-T-C. GRCh37 (hg19) VCF-style: chr7-44155433-T-C.
Other names: c.1079A>G, p.Asp360Gly (NM_001127218.3, NM_001256879.2); short protein forms D360G.
Identifiers: ClinVar variation 3697656 (VCV003697656.2).

ClinVar aggregate classification (germline): Uncertain significance (1 of 4 stars; one submission).

Submission:

Labcorp Genetics (formerly Invitae), Labcorp
Classification: Uncertain significance. Last evaluated: 2024-05-23. Review status: criteria provided, single submitter. Criteria: Invitae Variant Classification Sherloc (09022015). Collection method: clinical testing. Allele origin: germline.
Comment: This sequence change replaces aspartic acid, which is acidic and polar, with glycine, which is neutral and non-polar, at codon 395 of the POLD2 protein (p.Asp395Gly). This variant is not present in population databases (gnomAD no frequency). This variant has not been reported in the literature in individuals affected with POLD2-related conditions. Experimental studies and prediction algorithms are not available or were not evaluated, and the functional significance of this variant is currently unknown. In summary, the available evidence is currently insufficient to determine the role of this variant in disease. Therefore, it has been classified as a Variant of Uncertain Significance.